The following is an entry in ClinVar:

NM_182925.5(FLT4):c.1657+6T>C

Gene: FLT4 (fms related receptor tyrosine kinase 4; minus strand). Cytogenetic location: 5q35.3.
Variant type: single nucleotide variant.
Coding change: c.1657+6T>C on transcript NM_182925.5 (MANE Select); 6 bases into the intron after coding-DNA position 1657, T replaced by C.
Molecular consequence: intron variant.
Genome position (GRCh38, 1-based): chr5:180,622,725, A>G on the plus strand (T>C on the coding strand, the complement: FLT4 is on the minus strand). VCF-style: chr5-180622725-A-G. GRCh37 (hg19) VCF-style: chr5-180049725-A-G.
Other names: c.1657+6T>C (NM_001354989.2, NM_002020.5).
Identifiers: ClinVar variation 3387754 (VCV003387754.1).

ClinVar aggregate classification (germline): Pathogenic (1 of 4 stars; one submission).

Conditions:
Congenital heart defects, multiple types, 7. Identifiers: MedGen C5394062, MONDO:0032913, OMIM 618780.

Submission:

Center for Medical Genetics Ghent, University of Ghent
Classification: Pathogenic for Congenital heart defects, multiple types, 7. Review status: criteria provided, single submitter. Criteria: ACMG Guidelines, 2015. Collection method: clinical testing. Allele origin: maternal. Inheritance: Autosomal dominant inheritance. Affected: yes.
Comment: -PM2: the variant is absent in Gnomad. -PP4_PM: the phenotype is very specific -PS1: RNA-sequencing of the variant showed skipping of exon 12 in 30% of the reads, causing a framehsift. Skipping of exon 12 was observed in 4% of the reads in the control sample - PP1: the variant co-segregated with the affected family members - PS2_PP: the he phenotype is consistent with this gene, but not very specific, and there is significant genetic heterogeneity

Literature cited by the submitters: PubMed 38713105; PubMed 28991257; PubMed 30232381.